The following is an entry in ClinVar:

ClinVar aggregate classification (germline): Pathogenic (1 of 4 stars; one submission).

Conditions:
Bloom syndrome (BLM). Also called: Bloom-Torre-Machacek syndrome. Identifiers: Orphanet 125, MedGen C0005859, MONDO:0008876, OMIM 210900.

Submission:

Women's Health and Genetics/Laboratory Corporation of America, LabCorp
Classification: Pathogenic for Bloom syndrome. Last evaluated: 2025-05-05. Review status: criteria provided, single submitter. Criteria: LabCorp Variant Classification Summary - May 2015. Collection method: clinical testing. Allele origin: germline.
Comment: Variant summary: BLM c.1237_1243delinsTAC (p.Glu413TyrfsX37) results in a premature termination codon, predicted to cause a truncation of the encoded protein or absence of the protein due to nonsense mediated decay, which are commonly known mechanisms for disease. The variant was absent in 1611320 control chromosomes. To our knowledge, no occurrence of c.1237_1243delinsTAC in individuals affected with Bloom Syndrome and no experimental evidence demonstrating its impact on protein function have been reported. No submitters have cited clinical-significance assessments for this variant to ClinVar. Based on the evidence outlined above, the variant was classified as pathogenic.

NM_000057.4(BLM):c.1237_1243delinsTAC (p.Glu413fs)

Gene: BLM (BLM RecQ like helicase; plus strand). Cytogenetic location: 15q26.1.
Variant type: Indel.
Coding change: c.1237_1243delinsTAC on transcript NM_000057.4 (MANE Select); coding-DNA positions 1237 to 1243, GAAGTAG replaced by TAC.
Protein change: p.Glu413fs; shifts the reading frame from glutamic acid 413.
Molecular consequence: frameshift variant.
Genome position (GRCh38, 1-based): chr15:90,760,610-90,760,616, GAAGTAG replaced by TAC. VCF-style: chr15-90760610-GAAGTAG-TAC. GRCh37 (hg19) VCF-style: chr15-91303840-GAAGTAG-TAC.
Other names: c.1237_1243delinsTAC, p.Glu413fs (NM_001287246.2, NM_001287247.2); c.112_118delinsTAC, p.Glu38fs (NM_001287248.2); short protein forms E38fs, E413fs.
Identifiers: ClinVar variation 3902526 (VCV003902526.1).
Genomic context (GRCh38, chr15:90,760,610, plus strand): 5'-TAAACTACTTATATTTAATACGTTGTTCTCTTTTCTCTCTTCAGAAGGAAACTTCTAACG[GAAGTAG>TAC]ATTTTAATAAAAGTGATGCCAGTCTTCTTGGCTCATTGTGGAGATACAGGCCTGATTCAC-3'